The following is an entry in ClinVar:

NM_018489.3(ASH1L):c.2330G>A (p.Arg777His)

Gene: ASH1L (ASH1 like histone lysine methyltransferase; minus strand). Cytogenetic location: 1q22.
Variant type: single nucleotide variant.
Coding change: c.2330G>A on transcript NM_018489.3 (MANE Select); coding-DNA position 2330, G replaced by A.
Protein change: p.Arg777His; replaces arginine 777 with histidine.
Molecular consequence: missense variant.
Genome position (GRCh38, 1-based): chr1:155,480,540, C>T on the plus strand (G>A on the coding strand, the complement: ASH1L is on the minus strand). VCF-style: chr1-155480540-C-T. GRCh37 (hg19) VCF-style: chr1-155450331-C-T.
Other names: c.2330G>A, p.Arg777His (NM_001366177.2); short protein forms R777H.
Identifiers: ClinVar variation 789551 (VCV000789551.8), dbSNP rs74353643, ClinGen allele CA1147218.

ClinVar aggregate classification (germline): Benign/Likely benign. Review status: criteria provided, multiple submitters, no conflicts (2 of 4 stars). 4 submissions from 4 submitters: Benign (1); Likely benign (2). 1 of the submissions does not count toward it. Last evaluated 2023-04-11.

Conditions:
Intellectual developmental disorder, autosomal dominant 52. Also called: Intellectual disability, autosomal dominant 52; Mental retardation, autosomal dominant 52. Identifiers: MedGen C4540478, MONDO:0030918, OMIM 617796.
ASH1L-related disorder. Also called: ASH1L-related condition.

Allele frequency attached by ClinVar (database versions not stated): gnomAD 0.00614 and 0.00654; 1000 Genomes Project 0.00779; gnomAD exomes 0.00148 and 0.00061; ExAC 0.00202; TOPMed 0.00683; ESP Exome Variant Server 0.00692; 1000 Genomes Project 30x 0.00843.
gnomAD v4.1: 1,851 of 1,614,016 alleles (0.11%); highest among the groups gnomAD compares: African/African-American, 2.3%; 28 homozygotes.

Submissions (4):

Genome-Nilou Lab
Classification: Likely benign for Intellectual developmental disorder, autosomal dominant 52. Last evaluated: 2023-04-11. Review status: criteria provided, single submitter. Criteria: ACMG Guidelines, 2015. Collection method: clinical testing. Allele origin: germline. Affected: no.

Fulgent Genetics
Classification: Likely benign for Intellectual developmental disorder, autosomal dominant 52. Last evaluated: 2022-05-11. Review status: criteria provided, single submitter. Criteria: ACMG Guidelines, 2015. Collection method: clinical testing. Allele origin: unknown.

Labcorp Genetics (formerly Invitae), Labcorp
Classification: Benign. Last evaluated: 2019-12-31. Review status: criteria provided, single submitter. Criteria: Invitae Variant Classification Sherloc (09022015). Collection method: clinical testing. Allele origin: germline.

PreventionGenetics, part of Exact Sciences
Classification: Benign for ASH1L-related condition. Last evaluated: 2021-08-24. Review status: no assertion criteria provided. Collection method: clinical testing. Allele origin: germline. Not counted in ClinVar's aggregate classification.
Comment: This variant is classified as benign based on ACMG/AMP sequence variant interpretation guidelines (Richards et al. 2015 PMID: 25741868, with internal and published modifications).